The following is an entry in ClinVar:

ClinVar aggregate classification (germline): Uncertain significance (0 of 4 stars; one submission).

Conditions:
Seizures, benign familial neonatal, 1. Also called: KCNQ2-Related Self-Limited Familial Neonatal Epilepsy (SLFNE); Benign Neonatal Epilepsy 1; KCNQ2-Related Benign Familial Neonatal Epilepsy; Seizures, benign neonatal, 1. Identifiers: Orphanet 1949, MedGen C3149074, MONDO:0007365, OMIM 121200.

Submission:

Diagnostics Centre, Carl Von Ossietzky University Oldenburg
Classification: Uncertain significance for Seizures, benign familial neonatal, 1. Last evaluated: 2023-06-02. Review status: no assertion criteria provided. Collection method: clinical testing. Allele origin: germline. Affected: yes. Observed: 1 variant allele.
Comment: The variant KCNQ2:c.236A>G, p.(Asn79Thr), which is located in the coding exon 1 of the KCNQ2 gene, results from an adenine to guanine substitution at nucleotide position 236. The asparagine residue at protein position 79 is replaced by a threonine. KCNQ2 shows a low tolerance to missense variants (Z score= 3.71 in gnomAD, v.4.1.0). The region where the variants is located is highly constraint to missense variants (regional missense constraint 0.18, DECIPHER v11.26). This variant is classified as very rare in the overall population (no carriers in gnomAD, v4.1.0). No experimental studies to evaluate the effect on the variant on protein function are currently available. In summary, the variant is classified as variant of unclear significance.

NM_172107.4(KCNQ2):c.236A>G (p.Asn79Ser)

Gene: KCNQ2 (potassium voltage-gated channel subfamily Q member 2; minus strand). Cytogenetic location: 20q13.33.
Variant type: single nucleotide variant.
Coding change: c.236A>G on transcript NM_172107.4 (MANE Select); coding-DNA position 236, A replaced by G.
Protein change: p.Asn79Ser; replaces asparagine 79 with serine.
Molecular consequence: missense variant.
Genome position (GRCh38, 1-based): chr20:63,472,228, T>C on the plus strand (A>G on the coding strand, the complement: KCNQ2 is on the minus strand). VCF-style: chr20-63472228-T-C. GRCh37 (hg19) VCF-style: chr20-62103581-T-C.
Other names: c.236A>G, p.Asn79Ser (NM_172106.3, NM_172108.5, NM_172109.3 and 2 more transcripts); short protein forms N79S.
Identifiers: ClinVar variation 3238656 (VCV003238656.2), dbSNP rs2516743649.